The following is an entry in ClinVar:

NM_001267550.2(TTN):c.97653del (p.Val32552fs)

Genes: TTN (titin; minus strand), TTN-AS1 (TTN antisense RNA 1; plus strand). Cytogenetic location: 2q31.2.
Variant type: Deletion.
Coding change: c.97653del on transcript NM_001267550.2 (MANE Select); coding-DNA position 97653, one base deleted (A; older notation c.97653delA).
Protein change: p.Val32552fs; shifts the reading frame from valine 32552.
Molecular consequence: frameshift variant.
Genome position (GRCh38, 1-based): chr2:178,541,424, T deleted on the plus strand (A on the coding strand, the reverse complement: TTN is on the minus strand); the first of 3 consecutive T bases (chr2:178,541,424-178,541,426); deleting any one gives the same sequence. VCF-style (leftmost placement, unchanged base first): chr2-178541423-CT-C. GRCh37 (hg19) VCF-style: chr2-179406150-CT-C.
Other names: c.70458del, p.Val23487fs (NM_003319.4); c.89949del, p.Val29984fs (NM_133378.4); c.70833del, p.Val23612fs (NM_133432.3); c.71034del, p.Val23679fs (NM_133437.4); c.92730del, p.Val30911fs (NM_001256850.1); c.70458delA (NM_003319.4); short protein forms V30911fs, V32552fs, V23612fs, V23679fs, V29984fs, V23487fs.
Identifiers: ClinVar variation 2566378 (VCV002566378.4), dbSNP rs2468846150, ClinGen allele CA2580614469.

ClinVar aggregate classification (germline): Likely pathogenic. Review status: criteria provided, multiple submitters, no conflicts (2 of 4 stars). 2 submissions from 2 submitters: Likely pathogenic (2). Last evaluated 2026-03-27.

Conditions:
Autosomal recessive limb-girdle muscular dystrophy type 2J (LGMDR10). Also called: Limb-girdle muscular dystrophy, type 2J; MUSCULAR DYSTROPHY, LIMB-GIRDLE, AUTOSOMAL RECESSIVE 10. Identifiers: Orphanet 140922, MedGen C1837342, MONDO:0012127, OMIM 608807.
Dilated cardiomyopathy 1G (CMD1G). Identifiers: Orphanet 154, MedGen C1858763, MONDO:0011400, OMIM 604145.
Cardiovascular phenotype. Identifiers: MedGen CN230736.

Submissions (2):

Ambry Genetics
Classification: Likely pathogenic for Cardiovascular phenotype. Last evaluated: 2026-03-27. Review status: criteria provided, single submitter. Criteria: Ambry Variant Classification Scheme 2023. Collection method: clinical testing. Allele origin: germline.
Comment: The c.70458delA variant, located in coding exon 177 of the TTN gene, results from a deletion of one nucleotide at nucleotide position 70458, causing a translational frameshift with a predicted alternate stop codon (p.V23487Yfs*3). This exon is located in the A-band region of the N2-B isoform of the titin protein and is constitutively expressed in TTN transcripts (percent spliced in or PSI 100%). This variant was reported in individual(s) with features consistent with dilated cardiomyopathy (Ambry internal data). This variant is considered to be rare based on population cohorts in the Genome Aggregation Database (gnomAD). This variant is expected to result in loss of function by premature protein truncation or nonsense-mediated mRNA decay. While truncating variants in TTN are present in 1-3% of the general population, truncating variants in the A-band are the most common cause of dilated cardiomyopathy (Herman DS et al. N. Engl. J. Med., 2012 Feb;366:619-28; Roberts AM et al. Sci Transl Med, 2015 Jan;7:270ra6). TTN truncating variants encoded in constitutive exons (PSI >90%) have been found to be significantly associated with DCM regardless of their position in titin (Schafer S et al. Nat. Genet., 2017 01;49:46-53; Akhtar MM et al. Circ Heart Fail, 2020 Oct;13:e006832; Massier M et al. Clin Genet, 2025 Jan). Based on the majority of available evidence to date, this variant is likely to be pathogenic.

Labcorp Genetics (formerly Invitae), Labcorp
Classification: Likely pathogenic for Dilated cardiomyopathy 1G; Autosomal recessive limb-girdle muscular dystrophy type 2J. Last evaluated: 2025-11-27. Review status: criteria provided, single submitter. Criteria: Invitae Variant Classification Sherloc (09022015). Collection method: clinical testing. Allele origin: germline.
Comment: This sequence change creates a premature translational stop signal (p.Val32552Tyrfs*3) in the TTN gene. While this is not anticipated to result in nonsense mediated decay, it is expected to create a truncated TTN protein. This variant is not present in population databases (gnomAD no frequency). This variant has not been reported in the literature in individuals affected with TTN-related conditions. ClinVar contains an entry for this variant (Variation ID: 2566378). This variant is located in the A band of TTN (PMID: 25589632). Truncating variants in this region are significantly overrepresented in patients affected with dilated cardiomyopathy (PMID: 25589632). Truncating variants in this region have also been reported in individuals affected with autosomal recessive centronuclear myopathy (PMID: 23975875). In summary, the currently available evidence indicates that the variant is pathogenic, but additional data are needed to prove that conclusively. Therefore, this variant has been classified as Likely Pathogenic.

Literature cited by the submitters: PubMed 25589632 (cited by Labcorp Genetics (formerly Invitae), Labcorp); PubMed 23975875 (cited by Labcorp Genetics (formerly Invitae), Labcorp).